The following is an entry in ClinVar:

ClinVar aggregate classification (germline): Uncertain significance (1 of 4 stars; one submission).

Allele frequency attached by ClinVar (database versions not stated): gnomAD exomes 0.00001; gnomAD 0.00003; ExAC 0.00004; TOPMed 0.00006; ESP Exome Variant Server 0.00008.
gnomAD v4.1: 26 of 1,613,888 alleles (0.0016%); highest among the groups gnomAD compares: Middle Eastern, 0.016%; no homozygotes.

Submission:

Labcorp Genetics (formerly Invitae), Labcorp
Classification: Uncertain significance. Last evaluated: 2025-08-21. Review status: criteria provided, single submitter. Criteria: Invitae Variant Classification Sherloc (09022015). Collection method: clinical testing. Allele origin: germline.
Comment: This sequence change replaces proline, which is neutral and non-polar, with leucine, which is neutral and non-polar, at codon 110 of the ACAN protein (p.Pro110Leu). The frequency data for this variant in the population databases is considered unreliable, as metrics indicate poor data quality at this position in the gnomAD database. This variant has not been reported in the literature in individuals affected with ACAN-related conditions. ClinVar contains an entry for this variant (Variation ID: 2060660). Invitae Evidence Modeling of protein sequence and biophysical properties (such as structural, functional, and spatial information, amino acid conservation, physicochemical variation, residue mobility, and thermodynamic stability) indicates that this missense variant is not expected to disrupt ACAN protein function with a negative predictive value of 80%. In summary, the available evidence is currently insufficient to determine the role of this variant in disease. Therefore, it has been classified as a Variant of Uncertain Significance.

NM_001369268.1(ACAN):c.329C>T (p.Pro110Leu)

Gene: ACAN (aggrecan; plus strand). Cytogenetic location: 15q26.1.
Variant type: single nucleotide variant.
Coding change: c.329C>T on transcript NM_001369268.1 (MANE Select); coding-DNA position 329, C replaced by T.
Protein change: p.Pro110Leu; replaces proline 110 with leucine.
Molecular consequence: missense variant.
Genome position (GRCh38, 1-based): chr15:88,838,921, C>T. VCF-style: chr15-88838921-C-T. GRCh37 (hg19) VCF-style: chr15-89382152-C-T.
Other names: c.329C>T, p.Pro110Leu (NM_001135.4, NM_001411096.1, NM_001411097.1 and 1 more transcripts); short protein forms P110L.
Identifiers: ClinVar variation 2060660 (VCV002060660.4), dbSNP rs370458786, ClinGen allele CA7719195.